The following is an entry in ClinVar:

NM_032444.4(SLX4):c.3439G>A (p.Glu1147Lys)

Gene: SLX4 (SLX4 structure-specific endonuclease subunit; minus strand). Cytogenetic location: 16p13.3.
Variant type: single nucleotide variant.
Coding change: c.3439G>A on transcript NM_032444.4 (MANE Select); coding-DNA position 3439, G replaced by A.
Protein change: p.Glu1147Lys; replaces glutamic acid 1147 with lysine.
Molecular consequence: missense variant.
Genome position (GRCh38, 1-based): chr16:3,590,199, C>T on the plus strand (G>A on the coding strand, the complement: SLX4 is on the minus strand). VCF-style: chr16-3590199-C-T. GRCh37 (hg19) VCF-style: chr16-3640200-C-T.
Other names: short protein forms E1147K.
Identifiers: ClinVar variation 1394623 (VCV001394623.9), dbSNP rs974413437, ClinGen allele CA276959014.

ClinVar aggregate classification (germline): Uncertain significance. Review status: criteria provided, multiple submitters, no conflicts (2 of 4 stars). 2 submissions from 2 submitters: Uncertain significance (2). Last evaluated 2025-03-16.

Conditions:
Fanconi anemia (FA). Also called: Fanconi's anemia. Identifiers: Orphanet 84, MedGen C0015625, MeSH D005199, MONDO:0019391.
Fanconi anemia complementation group P. Also called: SLX4-Related Fanconi Anemia. Identifiers: Orphanet 84, MedGen C3469542, MONDO:0013499, OMIM 613951.

Allele frequency attached by ClinVar (database versions not stated): gnomAD exomes below 0.00001; TOPMed 0.00002; gnomAD 0.00003 and 0.00004.
gnomAD v4.1: 8 of 1,614,076 alleles (0.0005%); highest among the groups gnomAD compares: African/African-American, 0.0027%; no homozygotes.

Submissions (2):

Labcorp Genetics (formerly Invitae), Labcorp
Classification: Uncertain significance for Fanconi anemia. Last evaluated: 2025-03-16. Review status: criteria provided, single submitter. Criteria: Invitae Variant Classification Sherloc (09022015). Collection method: clinical testing. Allele origin: germline.
Comment: This sequence change replaces glutamic acid, which is acidic and polar, with lysine, which is basic and polar, at codon 1147 of the SLX4 protein (p.Glu1147Lys). This variant is present in population databases (no rsID available, gnomAD 0.02%). This variant has not been reported in the literature in individuals affected with SLX4-related conditions. ClinVar contains an entry for this variant (Variation ID: 1394623). An algorithm developed to predict the effect of missense changes on protein structure and function outputs the following: PolyPhen-2: "Benign". The lysine amino acid residue is found in multiple mammalian species, which suggests that this missense change does not adversely affect protein function. In summary, the available evidence is currently insufficient to determine the role of this variant in disease. Therefore, it has been classified as a Variant of Uncertain Significance.

Fulgent Genetics
Classification: Uncertain significance for Fanconi anemia complementation group P. Last evaluated: 2024-05-21. Review status: criteria provided, single submitter. Criteria: ACMG Guidelines, 2015. Collection method: clinical testing. Allele origin: germline.